The following is an entry in ClinVar:

NM_016653.3(MAP3K20):c.1653_1658del (p.Thr552_Leu553del)

Genes: MAP3K20 (mitogen-activated protein kinase kinase kinase 20; plus strand), MAP3K20-AS1 (MAP3K20 antisense RNA 1; minus strand). Cytogenetic location: 2q31.1.
Variant type: Deletion.
Coding change: c.1653_1658del on transcript NM_016653.3 (MANE Select); coding-DNA positions 1653 to 1658, 6 bases deleted (GACATT; older notation c.1653_1658delGACATT).
Protein change: p.Thr552_Leu553del.
Molecular consequence: inframe deletion.
Genome position (GRCh38, 1-based): chr2:173,263,846-173,263,851, GACATT deleted. VCF-style (leftmost placement, unchanged base first): chr2-173263845-AGACATT-A. GRCh37 (hg19) VCF-style: chr2-174128573-AGACATT-A.
Identifiers: ClinVar variation 1943650 (VCV001943650.4), dbSNP rs2468316219, ClinGen allele CA2580064531.

ClinVar aggregate classification (germline): Uncertain significance (1 of 4 stars; one submission).

Submission:

Labcorp Genetics (formerly Invitae), Labcorp
Classification: Uncertain significance. Last evaluated: 2022-08-03. Review status: criteria provided, single submitter. Criteria: Invitae Variant Classification Sherloc (09022015). Collection method: clinical testing. Allele origin: germline.
Comment: This variant, c.1653_1658del, results in the deletion of 2 amino acid(s) of the MAP3K20 protein (p.Thr552_Leu553del), but otherwise preserves the integrity of the reading frame. This variant is not present in population databases (gnomAD no frequency). In summary, the available evidence is currently insufficient to determine the role of this variant in disease. Therefore, it has been classified as a Variant of Uncertain Significance. Experimental studies and prediction algorithms are not available or were not evaluated, and the functional significance of this variant is currently unknown. This variant has not been reported in the literature in individuals affected with MAP3K20-related conditions.